The following is an entry in ClinVar:

ClinVar aggregate classification (germline): Uncertain significance (1 of 4 stars; one submission).

gnomAD v4.1: 4 of 1,614,176 alleles (0.00025%); highest among the groups gnomAD compares: African/African-American, 0.0013%; no homozygotes.

Submission:

Labcorp Genetics (formerly Invitae), Labcorp
Classification: Uncertain significance. Last evaluated: 2021-12-02. Review status: criteria provided, single submitter. Criteria: Invitae Variant Classification Sherloc (09022015). Collection method: clinical testing. Allele origin: germline.
Comment: In summary, the available evidence is currently insufficient to determine the role of this variant in disease. Therefore, it has been classified as a Variant of Uncertain Significance. Algorithms developed to predict the effect of missense changes on protein structure and function output the following: SIFT: "Tolerated"; PolyPhen-2: "Benign"; Align-GVGD: "Class C0". The isoleucine amino acid residue is found in multiple mammalian species, which suggests that this missense change does not adversely affect protein function. This variant has not been reported in the literature in individuals affected with KARS-related conditions. This variant is not present in population databases (gnomAD no frequency). This sequence change replaces threonine, which is neutral and polar, with isoleucine, which is neutral and non-polar, at codon 400 of the KARS protein (p.Thr400Ile).

NM_005548.3(KARS1):c.1115C>T (p.Thr372Ile)

Gene: KARS1 (lysyl-tRNA synthetase 1; minus strand). Cytogenetic location: 16q23.1.
Variant type: single nucleotide variant.
Coding change: c.1115C>T on transcript NM_005548.3 (MANE Select); coding-DNA position 1115, C replaced by T.
Protein change: p.Thr372Ile; replaces threonine 372 with isoleucine.
Molecular consequence: missense variant.
Genome position (GRCh38, 1-based): chr16:75,631,553, G>A on the plus strand (C>T on the coding strand, the complement: KARS1 is on the minus strand). VCF-style: chr16-75631553-G-A. GRCh37 (hg19) VCF-style: chr16-75665451-G-A.
Other names: c.1199C>T, p.Thr400Ile (NM_001130089.2); c.647C>T, p.Thr216Ile (NM_001378148.1); short protein forms T216I, T372I, T400I.
Identifiers: ClinVar variation 1682422 (VCV001682422.6), dbSNP rs754249871, ClinGen allele CA396811868.
Genomic context (GRCh38, chr16:75,631,553, plus strand): 5'-CGGAAGGGTGGGGTGAAGTCAACATCGTAGGCTTGGCCCTCTGGGCCATCTGGGTGGTAG[G>A]TGACCTTGTAACTGCCTGTAATATGCTTCACCATCCCTGGGAGAGAAACCTGTTATTTAG-3'
Protein context (NP_005539.1, residues 362-382): VKHITGSYKV[Thr372Ile]YHPDGPEGQA